The following is an entry in ClinVar:

ClinVar aggregate classification (germline): Uncertain significance (1 of 4 stars; one submission).

Conditions:
Pigmentary retinal dystrophy. Also called: Fundus albipunctatus. Identifiers: Orphanet 227796, Orphanet 52427, MedGen C0311338, MONDO:0007639, OMIM 136880, HP:0030642.

gnomAD v4.1: 5 of 1,614,030 alleles (0.00031%); highest among the groups gnomAD compares: Non-Finnish European, 0.00042%; no homozygotes.

Submission:

MVZ Medizinische Genetik Mainz
Classification: Uncertain significance for Pigmentary retinal dystrophy. Last evaluated: 2024-09-03. Review status: criteria provided, single submitter. Criteria: UK Practice Guidelines For Variant Classification V4 01 2020. Collection method: clinical testing. Allele origin: germline. Inheritance: Autosomal dominant inheritance. Affected: yes. Observed: 1 variant allele.
Comment: ACMG Criteria: PP3_MOD,PM2_SUP,PP2

NM_002905.5(RDH5):c.878C>G (p.Pro293Arg)

Genes: BLOC1S1-RDH5 (BLOC1S1-RDH5 readthrough; plus strand), CD63 (CD63 molecule; minus strand), RDH5 (retinol dehydrogenase 5; plus strand). Cytogenetic location: 12q13.2.
Variant type: single nucleotide variant.
Coding change: c.878C>G on transcript NM_002905.5 (MANE Select); coding-DNA position 878, C replaced by G.
Protein change: p.Pro293Arg; replaces proline 293 with arginine.
Molecular consequence: missense variant. On other transcripts: non-coding transcript variant (1), 3 prime UTR variant (2).
Genome position (GRCh38, 1-based): chr12:55,724,466, C>G. VCF-style: chr12-55724466-C-G. GRCh37 (hg19) VCF-style: chr12-56118250-C-G.
Other names: c.878C>G, p.Pro293Arg (NM_001199771.3); c.*598G>C (NM_001413284.1); c.*613G>C (NM_001413285.1); short protein forms P293R.
Identifiers: ClinVar variation 3342276 (VCV003342276.1).